The following is an entry in ClinVar:

NM_001135649.3(FOXI3):c.490C>G (p.Arg164Gly)

Gene: FOXI3 (forkhead box I3; minus strand). Cytogenetic location: 2p11.2.
Variant type: single nucleotide variant.
Coding change: c.490C>G on transcript NM_001135649.3 (MANE Select); coding-DNA position 490, C replaced by G.
Protein change: p.Arg164Gly; replaces arginine 164 with glycine.
Molecular consequence: missense variant.
Genome position (GRCh38, 1-based): chr2:88,452,046, G>C on the plus strand (C>G on the coding strand, the complement: FOXI3 is on the minus strand). VCF-style: chr2-88452046-G-C. GRCh37 (hg19) VCF-style: chr2-88751565-G-C.
Other names: short protein forms R164G.
Identifiers: ClinVar variation 2987411 (VCV002987411.3), dbSNP rs745690703, ClinGen allele CA347766236.

ClinVar aggregate classification (germline): Uncertain significance (1 of 4 stars; one submission).

Submission:

Labcorp Genetics (formerly Invitae), Labcorp
Classification: Uncertain significance. Last evaluated: 2023-07-08. Review status: criteria provided, single submitter. Criteria: Invitae Variant Classification Sherloc (09022015). Collection method: clinical testing. Allele origin: germline.
Comment: This variant has not been reported in the literature in individuals affected with FOXI3-related conditions. This variant is not present in population databases (gnomAD no frequency). In summary, the available evidence is currently insufficient to determine the role of this variant in disease. Therefore, it has been classified as a Variant of Uncertain Significance. Experimental studies and prediction algorithms are not available or were not evaluated, and the functional significance of this variant is currently unknown. This sequence change replaces arginine, which is basic and polar, with glycine, which is neutral and non-polar, at codon 164 of the FOXI3 protein (p.Arg164Gly).